The following is an entry in ClinVar:

ClinVar aggregate classification (germline): Uncertain significance. Review status: criteria provided, multiple submitters, no conflicts (2 of 4 stars). 2 submissions from 2 submitters: Uncertain significance (2). Last evaluated 2025-04-30.

Allele frequency attached by ClinVar (database versions not stated): gnomAD 0.00001; gnomAD exomes 0.00002 and 0.00003; ExAC 0.00003; TOPMed 0.00004.
gnomAD v4.1: 33 of 1,610,690 alleles (0.002%); highest among the groups gnomAD compares: Admixed American, 0.015%; no homozygotes.

Submissions (2):

Ambry Genetics
Classification: Uncertain significance. Last evaluated: 2025-04-30. Review status: criteria provided, single submitter. Criteria: Ambry Variant Classification Scheme 2023. Collection method: clinical testing. Allele origin: germline.

Labcorp Genetics (formerly Invitae), Labcorp
Classification: Uncertain significance. Last evaluated: 2023-12-07. Review status: criteria provided, single submitter. Criteria: Invitae Variant Classification Sherloc (09022015). Collection method: clinical testing. Allele origin: germline.
Comment: This sequence change replaces proline, which is neutral and non-polar, with serine, which is neutral and polar, at codon 186 of the MCM5 protein (p.Pro186Ser). This variant is present in population databases (rs780715628, gnomAD 0.01%). This variant has not been reported in the literature in individuals affected with MCM5-related conditions. ClinVar contains an entry for this variant (Variation ID: 1474577). Advanced modeling of protein sequence and biophysical properties (such as structural, functional, and spatial information, amino acid conservation, physicochemical variation, residue mobility, and thermodynamic stability) performed at Invitae indicates that this missense variant is not expected to disrupt MCM5 protein function with a negative predictive value of 80%. In summary, the available evidence is currently insufficient to determine the role of this variant in disease. Therefore, it has been classified as a Variant of Uncertain Significance.

NM_006739.4(MCM5):c.556C>T (p.Pro186Ser)

Gene: MCM5 (minichromosome maintenance complex component 5; plus strand). Cytogenetic location: 22q12.3.
Variant type: single nucleotide variant.
Coding change: c.556C>T on transcript NM_006739.4 (MANE Select); coding-DNA position 556, C replaced by T.
Protein change: p.Pro186Ser; replaces proline 186 with serine.
Molecular consequence: missense variant.
Genome position (GRCh38, 1-based): chr22:35,406,685, C>T. VCF-style: chr22-35406685-C-T. GRCh37 (hg19) VCF-style: chr22-35802678-C-T.
Other names: c.556C>T (NM_006739.3); short protein forms P186S.
Identifiers: ClinVar variation 1474577 (VCV001474577.7), dbSNP rs780715628, ClinGen allele CA10205070.
Genomic context (GRCh38, chr22:35,406,685, plus strand): 5'-ACCCGCATCTCTATCCAGTGCCGCAGCTGCCGCAACACCCTCACCAACATTGCCATGCGC[C>T]CTGGCCTCGAGGGCTATGCCCTGCCCAGGAAGTGCAACACGTGAGTCTGTGGCCCAGAGG-3'
Protein context (NP_006730.2, residues 176-196): RNTLTNIAMR[Pro186Ser]GLEGYALPRK